The following is an entry in ClinVar:

NM_007118.4(TRIO):c.806A>G (p.Lys269Arg)

Gene: TRIO (trio Rho guanine nucleotide exchange factor; plus strand). Cytogenetic location: 5p15.2.
Variant type: single nucleotide variant.
Coding change: c.806A>G on transcript NM_007118.4 (MANE Select); coding-DNA position 806, A replaced by G.
Protein change: p.Lys269Arg; replaces lysine 269 with arginine.
Molecular consequence: missense variant. On other transcripts: non-coding transcript variant (1).
Genome position (GRCh38, 1-based): chr5:14,290,981, A>G. VCF-style: chr5-14290981-A-G. GRCh37 (hg19) VCF-style: chr5-14291090-A-G.
Other names: short protein forms K269R.
Identifiers: ClinVar variation 1695640 (VCV001695640.2), dbSNP rs2152285007, ClinGen allele CA359208905.

ClinVar aggregate classification (germline): Uncertain significance (1 of 4 stars; one submission).

Submission:

GeneDx
Classification: Uncertain significance. Last evaluated: 2022-01-10. Review status: criteria provided, single submitter. Criteria: GeneDx Variant Classification Process June 2021. Collection method: clinical testing. Allele origin: germline. Affected: yes.
Comment: Not observed at significant frequency in large population cohorts (gnomAD); In silico analysis supports that this missense variant does not alter protein structure/function; Has not been previously published as pathogenic or benign to our knowledge